The following is an entry in ClinVar:

ClinVar aggregate classification (germline): Uncertain significance (1 of 4 stars; one submission).

Conditions:
Myoclonic epilepsy, juvenile, susceptibility to, 1. Also called: Myoclonic Epilepsy, Juvenile, 1; EJM1. Identifiers: MedGen C1850778, MONDO:0020752, OMIM 254770.
Absence seizure. Also called: Absence epilepsy. Identifiers: Orphanet 1941, MedGen C0014553.

Allele frequency attached by ClinVar (database versions not stated): gnomAD below 0.00001 and 0.00001; gnomAD exomes 0.00001 and 0.00002; ExAC 0.00002.

Submission:

Labcorp Genetics (formerly Invitae), Labcorp
Classification: Uncertain significance for Myoclonic epilepsy, juvenile, susceptibility to, 1; Absence seizure. Last evaluated: 2022-09-01. Review status: criteria provided, single submitter. Criteria: Invitae Variant Classification Sherloc (09022015). Collection method: clinical testing. Allele origin: germline.
Comment: In summary, the available evidence is currently insufficient to determine the role of this variant in disease. Therefore, it has been classified as a Variant of Uncertain Significance. Algorithms developed to predict the effect of missense changes on protein structure and function (SIFT, PolyPhen-2, Align-GVGD) all suggest that this variant is likely to be disruptive. ClinVar contains an entry for this variant (Variation ID: 958394). This variant has not been reported in the literature in individuals affected with EFHC1-related conditions. This variant is present in population databases (rs757990962, gnomAD 0.01%). This sequence change replaces leucine, which is neutral and non-polar, with serine, which is neutral and polar, at codon 65 of the EFHC1 protein (p.Leu65Ser).

NM_018100.4(EFHC1):c.194T>C (p.Leu65Ser)

Gene: EFHC1 (EF-hand domain containing 1; plus strand). Cytogenetic location: 6p12.2.
Variant type: single nucleotide variant.
Coding change: c.194T>C on transcript NM_018100.4 (MANE Select); coding-DNA position 194, T replaced by C.
Protein change: p.Leu65Ser; replaces leucine 65 with serine.
Molecular consequence: missense variant. On other transcripts: non-coding transcript variant (1).
Genome position (GRCh38, 1-based): chr6:52,424,076, T>C. VCF-style: chr6-52424076-T-C. GRCh37 (hg19) VCF-style: chr6-52288874-T-C.
Other names: c.137T>C, p.Leu46Ser (NM_001172420.2); short protein forms L46S, L65S.
Identifiers: ClinVar variation 958394 (VCV000958394.11), dbSNP rs757990962, ClinGen allele CA3855691.